The following is an entry in ClinVar:

ClinVar aggregate classification (germline): Benign. Review status: criteria provided, multiple submitters, no conflicts (2 of 4 stars). 2 submissions from 2 submitters: Benign (2). Last evaluated 2026-02-03.

Allele frequency attached by ClinVar (database versions not stated): ExAC 0.00280; gnomAD 0.00829 and 0.00879; 1000 Genomes Project 0.00899; TOPMed 0.00920; ESP Exome Variant Server 0.00953.
gnomAD v4.1: 2,488 of 1,613,926 alleles (0.15%); highest among the groups gnomAD compares: African/African-American, 2.9%; 24 homozygotes.

Submissions (2):

Labcorp Genetics (formerly Invitae), Labcorp
Classification: Benign. Last evaluated: 2026-02-03. Review status: criteria provided, single submitter. Criteria: Invitae Variant Classification Sherloc (09022015). Collection method: clinical testing. Allele origin: germline.

GeneDx
Classification: Benign. Last evaluated: 2016-03-22. Review status: criteria provided, single submitter. Criteria: GeneDx Variant Classification (06012015). Collection method: clinical testing. Allele origin: germline. Affected: yes.
Comment: This variant is considered likely benign or benign based on one or more of the following criteria: it is a conservative change, it occurs at a poorly conserved position in the protein, it is predicted to be benign by multiple in silico algorithms, and/or has population frequency not consistent with disease.

NM_001069.3(TUBB2A):c.1323C>T (p.Gly441=)

Gene: TUBB2A (tubulin beta 2A class IIa; minus strand). Cytogenetic location: 6p25.2.
Variant type: single nucleotide variant.
Coding change: c.1323C>T on transcript NM_001069.3 (MANE Select); coding-DNA position 1323, C replaced by T.
Protein change: p.Gly441=; no amino-acid change (glycine 441 retained).
Molecular consequence: synonymous variant.
Genome position (GRCh38, 1-based): chr6:3,153,878, G>A on the plus strand (C>T on the coding strand, the complement: TUBB2A is on the minus strand). VCF-style: chr6-3153878-G-A. GRCh37 (hg19) VCF-style: chr6-3154112-G-A.
Other names: c.1068C>T, p.Gly356= (NM_001310315.2).
Identifiers: ClinVar variation 382896 (VCV000382896.9), dbSNP rs62637713, ClinGen allele CA3618965.
Genomic context (GRCh38, chr6:3,153,878, plus strand): 5'-GACAACAGAAGTTCACTAAGGATGCACGATTGATCTGAGAAGTTTTTAAGCCTCGTCCTC[G>A]CCCTCCTCCTCCTCGAACTCCCCTTGTTCGTCGGCCGTGGCGTCCTGGTACTGCTGGTAC-3'
Protein context (NP_001060.1, residues 431-445): DEQGEFEEEE[Gly441=]EDEA